The following is an entry in ClinVar:

ClinVar aggregate classification (germline): Conflicting classifications of pathogenicity. Review status: criteria provided, conflicting classifications (1 of 4 stars). 5 submissions from 5 submitters: Uncertain significance (1); Likely benign (4). Last evaluated 2026-01-27.

Conditions:
Atrial fibrillation, familial, 7 (ATFB7). Identifiers: MedGen C2677106, MONDO:0012828, OMIM 612240.

Allele frequency attached by ClinVar (database versions not stated): gnomAD exomes 0.00011 and 0.00037; ExAC 0.00037; ESP Exome Variant Server 0.00115; gnomAD 0.00124 and 0.00127; TOPMed 0.00143; 1000 Genomes Project 30x 0.00219; 1000 Genomes Project 0.00220.
gnomAD v4.1: 356 of 1,614,114 alleles (0.022%); highest among the groups gnomAD compares: African/African-American, 0.4%; 1 homozygote.

Submissions (5):

Labcorp Genetics (formerly Invitae), Labcorp
Classification: Likely benign for Atrial fibrillation, familial, 7. Last evaluated: 2026-01-27. Review status: criteria provided, single submitter. Criteria: Invitae Variant Classification Sherloc (09022015). Collection method: clinical testing. Allele origin: germline.

Women's Health and Genetics/Laboratory Corporation of America, LabCorp
Classification: Likely benign. Last evaluated: 2025-09-15. Review status: criteria provided, single submitter. Criteria: LabCorp Variant Classification Summary - May 2015. Collection method: clinical testing. Allele origin: germline.

Blueprint Genetics
Classification: Likely benign. Last evaluated: 2022-10-20. Review status: criteria provided, single submitter. Criteria: ACMG Guidelines, 2015. Collection method: clinical testing. Allele origin: germline.

GeneDx
Classification: Likely benign. Last evaluated: 2020-12-14. Review status: criteria provided, single submitter. Criteria: GeneDx Variant Classification Process June 2021. Collection method: clinical testing. Allele origin: germline. Affected: yes.
Comment: This variant is associated with the following publications: (PMID: 18930721, 16025157)

Illumina Laboratory Services, Illumina
Classification: Uncertain significance for Atrial fibrillation, familial, 7. Last evaluated: 2017-04-27. Review status: criteria provided, single submitter. Criteria: ICSL Variant Classification Criteria 13 December 2019. Collection method: clinical testing. Allele origin: germline.
Comment: This variant was observed as part of a predisposition screen in an ostensibly healthy population. A literature search was performed for the gene, cDNA change, and amino acid change (where applicable). Publications were found based on this search. However, the evidence from the literature, in combination with allele frequency data from public databases where available, was not sufficient to rule this variant in or out of causing disease. Therefore, this variant is classified as a variant of unknown significance.

Literature cited by the submitters: PubMed 17872968 (cited by Illumina Laboratory Services, Illumina); PubMed 19443837 (cited by Illumina Laboratory Services, Illumina); PubMed 15735608 (cited by Illumina Laboratory Services, Illumina); PubMed 16025157 (cited by Illumina Laboratory Services, Illumina).

NM_002234.4(KCNA5):c.1595C>T (p.Pro532Leu)

Gene: KCNA5 (potassium voltage-gated channel subfamily A member 5; plus strand). Cytogenetic location: 12p13.32.
Variant type: single nucleotide variant.
Coding change: c.1595C>T on transcript NM_002234.4 (MANE Select); coding-DNA position 1595, C replaced by T.
Protein change: p.Pro532Leu; replaces proline 532 with leucine.
Molecular consequence: missense variant.
Genome position (GRCh38, 1-based): chr12:5,045,742, C>T. VCF-style: chr12-5045742-C-T. GRCh37 (hg19) VCF-style: chr12-5154908-C-T.
Other names: short protein forms P532L.
Identifiers: ClinVar variation 469586 (VCV000469586.21), dbSNP rs17221812, ClinGen allele CA6399898.